The following is an entry in ClinVar:

NM_000455.5(STK11):c.434A>G (p.Glu145Gly)

Gene: STK11 (serine/threonine kinase 11; plus strand). Cytogenetic location: 19p13.3.
Variant type: single nucleotide variant.
Coding change: c.434A>G on transcript NM_000455.5 (MANE Select); coding-DNA position 434, A replaced by G.
Protein change: p.Glu145Gly; replaces glutamic acid 145 with glycine.
Molecular consequence: missense variant.
Genome position (GRCh38, 1-based): chr19:1,219,383, A>G. VCF-style: chr19-1219383-A-G. GRCh37 (hg19) VCF-style: chr19-1219382-A-G.
Other names: short protein forms E145G.
Identifiers: ClinVar variation 135920 (VCV000135920.31), dbSNP rs369764220, ClinGen allele CA022939.

ClinVar aggregate classification (germline): Conflicting classifications of pathogenicity. Review status: criteria provided, conflicting classifications (1 of 4 stars). 12 submissions from 12 submitters: Uncertain significance (10); Benign (1). 1 of the submissions does not count toward it. Last evaluated 2025-12-31.

Conditions:
Familial pancreatic carcinoma. Identifiers: Orphanet 1333, MedGen C2931038, MONDO:0015278, OMIM 260350.
Germ cell tumor of testis (TGCT). Also called: Testicular germ cell tumor; GERM CELL TUMOR, SOMATIC. Identifiers: Orphanet 363504, MedGen C1336708, MONDO:0010108, OMIM 273300.
Peutz-Jeghers syndrome (PJS). Also called: Peutz-Jeghers polyposis; Periorificial lentiginosis syndrome; POLYPOSIS, HAMARTOMATOUS INTESTINAL; POLYPS-AND-SPOTS SYNDROME. Identifiers: Orphanet 2869, MedGen C0031269, MeSH D010580, MONDO:0008280, OMIM 175200.
Melanoma, cutaneous malignant, susceptibility to, 1 (CMM1). Also called: B-K MOLE SYNDROME; MELANOMA, MALIGNANT; DYSPLASTIC NEVUS SYNDROME, HEREDITARY; FAMILIAL ATYPICAL MOLE-MALIGNANT MELANOMA SYNDROME. Identifiers: Orphanet 618, MedGen C1835047, MONDO:0007963, OMIM 155600.
Hereditary cancer-predisposing syndrome. Also called: Tumor predisposition; Hereditary neoplastic syndrome; Neoplastic Syndromes, Hereditary; Hereditary Cancer Syndrome. Identifiers: Orphanet 140162, MedGen C0027672, MeSH D009386, MONDO:0015356.

Allele frequency attached by ClinVar (database versions not stated): gnomAD 0.00001; gnomAD exomes 0.00001; ExAC 0.00002; TOPMed 0.00002; ESP Exome Variant Server 0.00008.
gnomAD v4.1: 17 of 1,506,544 alleles (0.0011%); highest among the groups gnomAD compares: Non-Finnish European, 0.0015%; no homozygotes.

Submissions (12):

Labcorp Genetics (formerly Invitae), Labcorp
Classification: Benign for Peutz-Jeghers syndrome. Last evaluated: 2025-12-31. Review status: criteria provided, single submitter. Criteria: Invitae Variant Classification Sherloc (09022015). Collection method: clinical testing. Allele origin: germline.

Ambry Genetics
Classification: Uncertain significance for Hereditary cancer-predisposing syndrome. Last evaluated: 2025-01-29. Review status: criteria provided, single submitter. Criteria: Ambry Variant Classification Scheme 2023. Collection method: clinical testing. Allele origin: germline.

Quest Diagnostics Nichols Institute San Juan Capistrano
Classification: Uncertain significance. Last evaluated: 2024-11-03. Review status: criteria provided, single submitter. Criteria: Quest Diagnostics criteria. Collection method: clinical testing. Allele origin: unknown.
Comment: The STK11 c.434A>G (p.Glu145Gly) variant has been reported in the published literature in a study of BRCA1/2 negative individuals with a personal or family history of breast cancer, ovarian cancer, and/or pancreatic cancer (PMID: 32957588 (2020)). The frequency of this variant in the general population, 0.000013 (3/224084 chromosomes (Genome Aggregation Database)), is uninformative in the assessment of its pathogenicity. Analysis of this variant using bioinformatics tools for the prediction of the effect of amino acid changes on protein structure and function yielded predictions that this variant is benign. Based on the available information, we are unable to determine the clinical significance of this variant.

Fulgent Genetics
Classification: Uncertain significance for Melanoma, cutaneous malignant, susceptibility to, 1; Peutz-Jeghers syndrome; Familial pancreatic carcinoma; Germ cell tumor of testis. Last evaluated: 2024-04-04. Review status: criteria provided, single submitter. Criteria: ACMG Guidelines, 2015. Collection method: clinical testing. Allele origin: germline.

Color Diagnostics, LLC DBA Color Health
Classification: Uncertain significance for Hereditary cancer-predisposing syndrome. Last evaluated: 2024-03-11. Review status: criteria provided, single submitter. Criteria: ACMG Guidelines, 2015. Collection method: clinical testing. Allele origin: germline.
Comment: This missense variant replaces glutamic acid with glycine at codon 145 of the STK11 protein. Computational prediction suggests that this variant may not impact protein structure and function. To our knowledge, functional studies have not been reported for this variant. This variant has been reported in an individual affected with breast cancer in the literature (PMID: 32957588). This variant has been identified in 3/224084 chromosomes in the general population by the Genome Aggregation Database (gnomAD). The available evidence is insufficient to determine the role of this variant in disease conclusively. Therefore, this variant is classified as a Variant of Uncertain Significance.

Department of Pathology and Laboratory Medicine, Sinai Health System
Classification: Uncertain significance for Peutz-Jeghers syndrome. Last evaluated: 2024-01-09. Review status: criteria provided, single submitter. Criteria: ACMG Guidelines, 2015. Collection method: clinical testing. Allele origin: germline. Affected: yes.

All of Us Research Program, National Institutes of Health
Classification: Uncertain significance for Peutz-Jeghers syndrome. Last evaluated: 2023-12-15. Review status: criteria provided, single submitter. Criteria: ACMG Guidelines, 2015. Collection method: clinical testing. Allele origin: germline. Inheritance: Autosomal dominant inheritance. Observed: 7 variant alleles, 7 heterozygotes.
Comment: This missense variant replaces glutamic acid with glycine at codon 145 of the STK11 protein. Computational prediction suggests that this variant may not impact protein structure and function (internally defined REVEL score threshold <= 0.5, PMID: 27666373). To our knowledge, functional studies have not been reported for this variant. This variant has been reported in an individual affected with breast cancer in the literature (PMID: 32957588). This variant has been identified in 3/224084 chromosomes in the general population by the Genome Aggregation Database (gnomAD). The available evidence is insufficient to determine the role of this variant in disease conclusively. Therefore, this variant is classified as a Variant of Uncertain Significance.

This study involves interpretation of variants in research participants for the purpose of population health screening. Participant phenotype was not available at the time of variant classification. Additional details can be found in publication PMID: 35346344, PMCID: PMC8962531

Myriad Genetics, Inc.
Classification: Uncertain significance for Peutz-Jeghers syndrome. Last evaluated: 2023-04-14. Review status: criteria provided, single submitter. Criteria: Myriad Autosomal Dominant, Autosomal Recessive and X-Linked Classification Criteria (2023). Collection method: clinical testing. Allele origin: unknown.
Comment: This variant is classified as a variant of uncertain significance as there is insufficient evidence to determine its impact on protein function and/or cancer risk.

GeneDx
Classification: Uncertain significance. Last evaluated: 2021-11-16. Review status: criteria provided, single submitter. Criteria: GeneDx Variant Classification Process June 2021. Collection method: clinical testing. Allele origin: germline. Affected: yes.
Comment: In silico analysis supports that this missense variant does not alter protein structure/function; Identified in an individual with a personal and/or familial history of breast, ovarian or pancreatic cancer (Germani 2020); This variant is associated with the following publications: (PMID: 32957588, 15863673)

Genome-Nilou Lab
Classification: Uncertain significance for Peutz-Jeghers syndrome. Last evaluated: 2021-07-15. Review status: criteria provided, single submitter. Criteria: ACMG Guidelines, 2015. Collection method: clinical testing. Allele origin: germline. Affected: no.

Women's Health and Genetics/Laboratory Corporation of America, LabCorp
Classification: Uncertain significance. Last evaluated: 2018-03-28. Review status: criteria provided, single submitter. Criteria: LabCorp Variant Classification Summary - May 2015. Collection method: clinical testing. Allele origin: germline.
Comment: Variant summary: STK11 c.434A>G (p.Glu145Gly) results in a non-conservative amino acid change located in the protein kinase domain (IPR000719) of the encoded protein sequence. Three of five in-silico tools predict a benign effect of the variant on protein function. The variant allele was found at a frequency of 2e-05 in 51110 control chromosomes (ExAC). The available data on variant occurrences in the general population are insufficient to allow any conclusion about variant significance. To our knowledge, no occurrence of c.434A>G in individuals affected with Peutz-Jeghers Syndrome or HBOC and no experimental evidence demonstrating its impact on protein function have been reported. Three clinical diagnostic laboratories have submitted clinical-significance assessments for this variant to ClinVar after 2014 without evidence for independent evaluation. All laboratories classified the variant as uncertain significance. Based on the evidence outlined above, the variant was classified as uncertain significance.

Counsyl
Classification: Uncertain significance for Peutz-Jeghers syndrome. Last evaluated: 2017-11-30. Review status: no assertion criteria provided. Collection method: clinical testing. Allele origin: unknown. Not counted in ClinVar's aggregate classification.

Literature cited by the submitters: PubMed 30267214 (cited by Quest Diagnostics Nichols Institute San Juan Capistrano); PubMed 30082870 (cited by Quest Diagnostics Nichols Institute San Juan Capistrano); PubMed 32957588 (cited by 3 submitters).